The following is an entry in ClinVar:

ClinVar aggregate classification (germline): Uncertain significance. Review status: criteria provided, multiple submitters, no conflicts (2 of 4 stars). 2 submissions from 2 submitters: Uncertain significance (2). Last evaluated 2023-01-10.

Conditions:
SON-related disorder. Also called: SON-related condition.

Allele frequency attached by ClinVar (database versions not stated): gnomAD exomes below 0.00001; gnomAD 0.00001.
gnomAD v4.1: 3 of 1,613,918 alleles (0.00019%); highest among the groups gnomAD compares: African/African-American, 0.0027%; no homozygotes.

Submissions (2):

GeneDx
Classification: Uncertain significance. Last evaluated: 2023-01-10. Review status: criteria provided, single submitter. Criteria: GeneDx Variant Classification Process June 2021. Collection method: clinical testing. Allele origin: germline. Affected: yes.
Comment: Not observed at significant frequency in large population cohorts (gnomAD); In silico analysis supports that this missense variant does not alter protein structure/function; Has not been previously published as pathogenic or benign to our knowledge

PreventionGenetics, part of Exact Sciences
Classification: Uncertain significance for SON-related condition. Last evaluated: 2022-11-29. Review status: criteria provided, single submitter. Criteria: ACMG Guidelines, 2015. Collection method: clinical testing. Allele origin: germline.
Comment: The SON c.4145C>G variant is predicted to result in the amino acid substitution p.Thr1382Ser. To our knowledge, this variant has not been reported in the literature or in a large population database, indicating this variant is rare. At this time, the clinical significance of this variant is uncertain due to the absence of conclusive functional and genetic evidence.

NM_138927.4(SON):c.4145C>G (p.Thr1382Ser)

Gene: SON (SON DNA and RNA binding protein; plus strand). Cytogenetic location: 21q22.11.
Variant type: single nucleotide variant.
Coding change: c.4145C>G on transcript NM_138927.4 (MANE Select); coding-DNA position 4145, C replaced by G.
Protein change: p.Thr1382Ser; replaces threonine 1382 with serine.
Molecular consequence: missense variant. On other transcripts: non-coding transcript variant (1), intron variant (1).
Genome position (GRCh38, 1-based): chr21:33,553,376, C>G. VCF-style: chr21-33553376-C-G. GRCh37 (hg19) VCF-style: chr21-34925682-C-G.
Other names: c.4145C>G, p.Thr1382Ser (NM_001291411.2, NM_001412133.1, NM_032195.3 and 2 more transcripts); c.245-3780C>G (NM_001291412.3); c.4145C>G (NM_138927.2); short protein forms T1382S.
Identifiers: ClinVar variation 2571757 (VCV002571757.2), dbSNP rs1601267949, ClinGen allele CA410162041.